The following is an entry in ClinVar:

ClinVar aggregate classification (germline): Uncertain significance (1 of 4 stars; one submission).

Conditions:
Hereditary cancer-predisposing syndrome. Also called: Tumor predisposition; Hereditary neoplastic syndrome; Neoplastic Syndromes, Hereditary; Hereditary Cancer Syndrome. Identifiers: Orphanet 140162, MedGen C0027672, MeSH D009386, MONDO:0015356.

Submission:

Ambry Genetics
Classification: Uncertain significance for Hereditary cancer-predisposing syndrome. Last evaluated: 2025-04-05. Review status: criteria provided, single submitter. Criteria: Ambry Variant Classification Scheme 2023. Collection method: clinical testing. Allele origin: germline.
Comment: The p.V1464L variant (also known as c.4390G>C), located in coding exon 22 of the DICER1 gene, results from a G to C substitution at nucleotide position 4390. The valine at codon 1464 is replaced by leucine, an amino acid with highly similar properties. This amino acid position is conserved. In addition, the in silico prediction for this alteration is inconclusive. Based on the available evidence, the clinical significance of this variant remains unclear.

NM_177438.3(DICER1):c.4390G>C (p.Val1464Leu)

Gene: DICER1 (dicer 1, ribonuclease III; minus strand). Cytogenetic location: 14q32.13.
Variant type: single nucleotide variant.
Coding change: c.4390G>C on transcript NM_177438.3 (MANE Select); coding-DNA position 4390, G replaced by C.
Protein change: p.Val1464Leu; replaces valine 1464 with leucine.
Molecular consequence: missense variant. On other transcripts: non-coding transcript variant (6).
Genome position (GRCh38, 1-based): chr14:95,096,530, C>G on the plus strand (G>C on the coding strand, the complement: DICER1 is on the minus strand). VCF-style: chr14-95096530-C-G. GRCh37 (hg19) VCF-style: chr14-95562867-C-G.
Other names: c.4390G>C, p.Val1464Leu (NM_001195573.1, NM_001271282.3, NM_001291628.2 and 12 more transcripts); c.4108G>C, p.Val1370Leu (NM_001395686.1); c.3985G>C, p.Val1329Leu (NM_001395687.1, NM_001395688.1, NM_001395689.1 and 2 more transcripts); c.3823G>C, p.Val1275Leu (NM_001395691.1); c.2707G>C, p.Val903Leu (NM_001395697.1); short protein forms V1275L, V1370L, V1464L, V903L, V1329L.
Identifiers: ClinVar variation 4011612 (VCV004011612.1).